The following is an entry in ClinVar:

NM_002470.4(MYH3):c.4156G>C (p.Glu1386Gln)

Gene: MYH3 (myosin heavy chain 3; minus strand). Cytogenetic location: 17p13.1.
Variant type: single nucleotide variant.
Coding change: c.4156G>C on transcript NM_002470.4 (MANE Select); coding-DNA position 4156, G replaced by C.
Protein change: p.Glu1386Gln; replaces glutamic acid 1386 with glutamine.
Molecular consequence: missense variant.
Genome position (GRCh38, 1-based): chr17:10,635,383, C>G on the plus strand (G>C on the coding strand, the complement: MYH3 is on the minus strand). VCF-style: chr17-10635383-C-G. GRCh37 (hg19) VCF-style: chr17-10538700-C-G.
Other names: short protein forms E1386Q.
Identifiers: ClinVar variation 1930447 (VCV001930447.5), dbSNP rs780780930, ClinGen allele CA8392301.

ClinVar aggregate classification (germline): Uncertain significance (1 of 4 stars; one submission).

Allele frequency attached by ClinVar (database versions not stated): gnomAD 0.00001; gnomAD exomes 0.00001; ExAC 0.00002.
gnomAD v4.1: 21 of 1,613,912 alleles (0.0013%); highest among the groups gnomAD compares: Middle Eastern, 0.049%; 1 homozygote.

Submission:

Labcorp Genetics (formerly Invitae), Labcorp
Classification: Uncertain significance. Last evaluated: 2025-11-18. Review status: criteria provided, single submitter. Criteria: Invitae Variant Classification Sherloc (09022015). Collection method: clinical testing. Allele origin: germline.
Comment: This sequence change replaces glutamic acid, which is acidic and polar, with glutamine, which is neutral and polar, at codon 1386 of the MYH3 protein (p.Glu1386Gln). This variant is present in population databases (rs780780930, gnomAD 0.004%). This variant has not been reported in the literature in individuals affected with MYH3-related conditions. ClinVar contains an entry for this variant (Variation ID: 1930447). Invitae Evidence Modeling of protein sequence and biophysical properties (such as structural, functional, and spatial information, amino acid conservation, physicochemical variation, residue mobility, and thermodynamic stability) indicates that this missense variant is not expected to disrupt MYH3 protein function with a negative predictive value of 95%. In summary, the available evidence is currently insufficient to determine the role of this variant in disease. Therefore, it has been classified as a Variant of Uncertain Significance.